The following is an entry in ClinVar:

ClinVar aggregate classification (germline): Benign/Likely benign. Review status: criteria provided, multiple submitters, no conflicts (2 of 4 stars). 5 submissions from 3 submitters: Benign (4); Likely benign (1). Last evaluated 2026-01-19.

Conditions:
Hyperinsulinism due to INSR deficiency. Also called: Hyperinsulinism due to glutamodehydrogenase deficiency. Identifiers: Orphanet 263458, MedGen C1864952, MONDO:0012381, OMIM 609968.
Rabson-Mendenhall syndrome. Also called: MENDENHALL SYNDROME; Pineal Hyperplasia, Insulin-Resistant Diabetes Mellitus, and Somatic Abnormalities; Pineal hyperplasia AND diabetes mellitus syndrome. Identifiers: Orphanet 769, MedGen C0271695, MONDO:0009874, OMIM 262190.
Leprechaunism syndrome. Also called: Donohue syndrome; LEPRECHAUNISM. Identifiers: Orphanet 508, MedGen C0265344, MONDO:0009517, OMIM 246200.
Insulin-resistant diabetes mellitus AND acanthosis nigricans. Also called: Insulin-resistance syndrome type A; INSULIN RECEPTOR, DEFECT IN, WITH INSULIN-RESISTANT DIABETES MELLITUS AND ACANTHOSIS NIGRICANS; IRAN, TYPE A; type A insulin resistance; DIABETES MELLITUS, INSULIN-RESISTANT, WITH ACANTHOSIS NIGRICANS, TYPE A. Identifiers: Orphanet 2297, MedGen C0342278, MONDO:0012520, OMIM 610549.

Allele frequency attached by ClinVar (database versions not stated): gnomAD exomes 0.00081 and 0.00207; ExAC 0.00270; gnomAD 0.00836 and 0.00891; 1000 Genomes Project 0.00899; 1000 Genomes Project 30x 0.00953; TOPMed 0.01006; ESP Exome Variant Server 0.01015.
gnomAD v4.1: 2,521 of 1,614,142 alleles (0.16%); highest among the groups gnomAD compares: African/African-American, 2.9%; 37 homozygotes.

Submissions (5):

Labcorp Genetics (formerly Invitae), Labcorp
Classification: Benign. Last evaluated: 2026-01-19. Review status: criteria provided, single submitter. Criteria: Invitae Variant Classification Sherloc (09022015). Collection method: clinical testing. Allele origin: germline.

Illumina Laboratory Services, Illumina
Classification: Benign for Rabson-Mendenhall syndrome. Last evaluated: 2018-01-13. Review status: criteria provided, single submitter. Criteria: ICSL Variant Classification Criteria 13 December 2019. Collection method: clinical testing. Allele origin: germline.
Comment: This variant was observed in the ICSL laboratory as part of a predisposition screen in an ostensibly healthy population. It had not been previously curated by ICSL or reported in the Human Gene Mutation Database (HGMD: prior to June 1st, 2018), and was therefore a candidate for classification through an automated scoring system. Utilizing variant allele frequency, disease prevalence and penetrance estimates, and inheritance mode, an automated score was calculated to assess if this variant is too frequent to cause the disease. Based on the score and internal cut-off values, a variant classified as benign is not then subjected to further curation. The score for this variant resulted in a classification of benign for this disease.

Illumina Laboratory Services, Illumina
Classification: Benign for Leprechaunism syndrome. Last evaluated: 2018-01-13. Review status: criteria provided, single submitter. Criteria: ICSL Variant Classification Criteria 13 December 2019. Collection method: clinical testing. Allele origin: germline.
Comment: the same text as in the submission from Illumina Laboratory Services, Illumina above.

Illumina Laboratory Services, Illumina
Classification: Benign for Insulin-resistant diabetes mellitus AND acanthosis nigricans. Last evaluated: 2018-01-13. Review status: criteria provided, single submitter. Criteria: ICSL Variant Classification Criteria 13 December 2019. Collection method: clinical testing. Allele origin: germline.
Comment: the same text as in the submission from Illumina Laboratory Services, Illumina above.

Clinical Genomics, Uppaluri K&H Personalized Medicine Clinic
Classification: Likely benign for Hyperinsulinism due to INSR deficiency. Review status: criteria provided, single submitter. Criteria: K And H Uppaluri Personalized Medicine Clinic Variant Classification And Assertion Criteria Updated V 2. Collection method: research. Allele origin: unknown. Inheritance: Autosomal dominant inheritance.
Comment: Potent mutations in INSR gene can lead to insulin resistance, which presents as impaired glucose tolerance, early onset type 2 diabetes, post prandial hyperglycemia and increased insulin requirement in type 1 diabetes. These mutations in INSR gene can also predispose to coronary artery disease, metabolic syndrome, polycystic ovarian disease and non alcoholic fatty liver disease.However, the role of this particular variant rs2229433 with early onset diabetes mellitus is yet to be ascertained.

Literature cited by the submitters: PubMed 35000900 (cited by Clinical Genomics, Uppaluri K&H Personalized Medicine Clinic); PubMed 31989990 (cited by Clinical Genomics, Uppaluri K&H Personalized Medicine Clinic); PubMed 23705494 (cited by Clinical Genomics, Uppaluri K&H Personalized Medicine Clinic).

NM_000208.4(INSR):c.2718T>C (p.Ala906=)

Gene: INSR (insulin receptor; minus strand). Cytogenetic location: 19p13.2.
Variant type: single nucleotide variant.
Coding change: c.2718T>C on transcript NM_000208.4 (MANE Select); coding-DNA position 2718, T replaced by C.
Protein change: p.Ala906=; no amino-acid change (alanine 906 retained).
Molecular consequence: synonymous variant.
Genome position (GRCh38, 1-based): chr19:7,132,282, A>G on the plus strand (T>C on the coding strand, the complement: INSR is on the minus strand). VCF-style: chr19-7132282-A-G. GRCh37 (hg19) VCF-style: chr19-7132293-A-G.
Other names: c.2682T>C, p.Ala894= (NM_001079817.3).
Identifiers: ClinVar variation 330451 (VCV000330451.15), dbSNP rs2229433, ClinGen allele CA9135468.